The following is an entry in ClinVar:

ClinVar aggregate classification (germline): Uncertain significance. Review status: criteria provided, multiple submitters, no conflicts (2 of 4 stars). 5 submissions from 5 submitters: Uncertain significance (3). 2 of the submissions do not count toward it. Last evaluated 2025-06-16.

Conditions:
Neuropathy, hereditary sensory, type 2C. Also called: KIF1A-Related HSAN2 (HSAN2C); Hereditary sensory and autonomic neuropathy type IIC. Identifiers: Orphanet 970, MedGen C3280168, MONDO:0013634, OMIM 614213.
Hereditary spastic paraplegia 30. Identifiers: Orphanet 101010, MedGen C5235139, MONDO:0012476.
Intellectual disability, autosomal dominant 9 (NESCAVS). Also called: NESCAV SYNDROME; KIF1A-Related Neurodevelopmental Disorder. Identifiers: Orphanet 662367, MedGen C5393830, MONDO:0013656, OMIM 614255.

Allele frequency attached by ClinVar (database versions not stated): gnomAD 0.00001; TOPMed 0.00001; gnomAD exomes 0.00002.
gnomAD v4.1: 29 of 1,608,410 alleles (0.0018%); highest among the groups gnomAD compares: East Asian, 0.031%; no homozygotes.

Submissions (5):

Labcorp Genetics (formerly Invitae), Labcorp
Classification: Uncertain significance for Hereditary spastic paraplegia 30; Neuropathy, hereditary sensory, type 2C; Intellectual disability, autosomal dominant 9. Last evaluated: 2025-06-16. Review status: criteria provided, single submitter. Criteria: Invitae Variant Classification Sherloc (09022015). Collection method: clinical testing. Allele origin: germline.
Comment: This sequence change falls in intron 29 of the KIF1A gene. It does not directly change the encoded amino acid sequence of the KIF1A protein. It affects a nucleotide within the consensus splice site. This variant is present in population databases (no rsID available, gnomAD 0.009%). This variant has not been reported in the literature in individuals affected with KIF1A-related conditions. ClinVar contains an entry for this variant (Variation ID: 899144). Variants that disrupt the consensus splice site are a relatively common cause of aberrant splicing (PMID: 17576681, 9536098). Algorithms developed to predict the effect of sequence changes on RNA splicing suggest that this variant is not likely to affect RNA splicing. In summary, the available evidence is currently insufficient to determine the role of this variant in disease. Therefore, it has been classified as a Variant of Uncertain Significance.

CeGaT Center for Human Genetics Tuebingen
Classification: Uncertain significance. Last evaluated: 2022-01-01. Review status: criteria provided, single submitter. Criteria: CeGaT Center For Human Genetics Tuebingen Variant Classification Criteria Version 2. Collection method: clinical testing. Allele origin: germline. Affected: yes. Observed: 1 variant allele.

Illumina Laboratory Services, Illumina
Classification: Uncertain significance for Spastic paraplegia 30A, autosomal dominant. Last evaluated: 2018-01-12. Review status: criteria provided, single submitter. Criteria: ICSL Variant Classification Criteria 13 December 2019. Collection method: clinical testing. Allele origin: germline.

Clinical Genetics, Academic Medical Center
Classification: Benign. Review status: no assertion criteria provided. Collection method: clinical testing. Allele origin: germline. Affected: yes. Study: VKGL Data-share Consensus. Not counted in ClinVar's aggregate classification.

Genome Diagnostics Laboratory, University Medical Center Utrecht
Classification: Benign. Review status: no assertion criteria provided. Collection method: clinical testing. Allele origin: germline. Affected: yes. Study: VKGL Data-share Consensus. Not counted in ClinVar's aggregate classification.

Literature cited by the submitters: PubMed 17576681 (cited by Labcorp Genetics (formerly Invitae), Labcorp); PubMed 9536098 (cited by Labcorp Genetics (formerly Invitae), Labcorp).

NM_001244008.2(KIF1A):c.3465+4C>T

Gene: KIF1A (kinesin family member 1A; minus strand). Cytogenetic location: 2q37.3.
Variant type: single nucleotide variant.
Coding change: c.3465+4C>T on transcript NM_001244008.2 (MANE Select); 4 bases into the intron after coding-DNA position 3465, C replaced by T.
Molecular consequence: intron variant.
Genome position (GRCh38, 1-based): chr2:240,745,423, G>A on the plus strand (C>T on the coding strand, the complement: KIF1A is on the minus strand). VCF-style: chr2-240745423-G-A. GRCh37 (hg19) VCF-style: chr2-241684840-G-A.
Other names: c.3162+4C>T (NM_001379653.1, NM_001379650.1, NM_001379641.1 and 5 more transcripts); c.3438+4C>T (NM_001379645.1, NM_001379633.1, NM_001379642.1); c.3264+4C>T (NM_001379635.1, NM_001330290.2, NM_001379646.1 and 1 more transcripts); c.3159+4C>T (NM_001379640.1); c.3414+4C>T (NM_001379632.1); c.3237+4C>T (NM_001379637.1, NM_001379648.1); c.3189+4C>T (NM_001320705.2, NM_001379638.1, NM_001330289.2); c.3540+4C>T (NM_001379631.1).
Identifiers: ClinVar variation 899144 (VCV000899144.45), dbSNP rs879064869, ClinGen allele CA68156660.
Genomic context (GRCh38, chr2:240,745,423, plus strand): 5'-GCTCAGAGAGGCCCTGGGAGGGTCAGTCAGTGGCAGGGATGGGGAGAAGTGCCCAGGAAC[G>A]TACGTTCTGGACGTGGTAGAAGCCAAGTGGGGGGCCTCTGCCTGTGTTCTTCAGGGGCTC-3'